The following is an entry in ClinVar:

ClinVar aggregate classification (germline): Uncertain significance (1 of 4 stars; one submission).

Submission:

Labcorp Genetics (formerly Invitae), Labcorp
Classification: Uncertain significance. Last evaluated: 2023-05-20. Review status: criteria provided, single submitter. Criteria: Invitae Variant Classification Sherloc (09022015). Collection method: clinical testing. Allele origin: germline.
Comment: This sequence change replaces glutamine, which is neutral and polar, with lysine, which is basic and polar, at codon 253 of the GHR protein (p.Gln253Lys). This variant is not present in population databases (gnomAD no frequency). In summary, the available evidence is currently insufficient to determine the role of this variant in disease. Therefore, it has been classified as a Variant of Uncertain Significance. Advanced modeling of protein sequence and biophysical properties (such as structural, functional, and spatial information, amino acid conservation, physicochemical variation, residue mobility, and thermodynamic stability) performed at Invitae indicates that this missense variant is not expected to disrupt GHR protein function. This variant has not been reported in the literature in individuals affected with GHR-related conditions.

NM_000163.5(GHR):c.757C>A (p.Gln253Lys)

Gene: GHR (growth hormone receptor; plus strand). Cytogenetic location: 5p12.
Variant type: single nucleotide variant.
Coding change: c.757C>A on transcript NM_000163.5 (MANE Select); coding-DNA position 757, C replaced by A.
Protein change: p.Gln253Lys; replaces glutamine 253 with lysine.
Molecular consequence: missense variant.
Genome position (GRCh38, 1-based): chr5:42,711,345, C>A. VCF-style: chr5-42711345-C-A. GRCh37 (hg19) VCF-style: chr5-42711447-C-A.
Other names: c.778C>A, p.Gln260Lys (NM_001242399.2); c.757C>A, p.Gln253Lys (NM_001242400.2, NM_001242401.4, NM_001242402.2 and 5 more transcripts); c.691C>A, p.Gln231Lys (NM_001242460.2); short protein forms Q260K, Q231K, Q253K.
Identifiers: ClinVar variation 2848703 (VCV002848703.3), dbSNP rs1758450068, ClinGen allele CA359696076.